The following is an entry in ClinVar:

ClinVar aggregate classification (germline): Uncertain significance. Review status: criteria provided, multiple submitters, no conflicts (2 of 4 stars). 2 submissions from 2 submitters: Uncertain significance (2). Last evaluated 2025-02-24.

Conditions:
Inborn genetic diseases. Identifiers: MedGen C0950123, MeSH D030342.

Allele frequency attached by ClinVar (database versions not stated): ExAC 0.00001; gnomAD 0.00001; gnomAD exomes 0.00001; TOPMed 0.00001.
gnomAD v4.1: 18 of 1,614,030 alleles (0.0011%); highest among the groups gnomAD compares: African/African-American, 0.004%; no homozygotes.

Submissions (2):

Ambry Genetics
Classification: Uncertain significance for Inborn genetic diseases. Last evaluated: 2025-02-24. Review status: criteria provided, single submitter. Criteria: Ambry Variant Classification Scheme 2023. Collection method: clinical testing. Allele origin: germline.

Labcorp Genetics (formerly Invitae), Labcorp
Classification: Uncertain significance. Last evaluated: 2022-08-09. Review status: criteria provided, single submitter. Criteria: Invitae Variant Classification Sherloc (09022015). Collection method: clinical testing. Allele origin: germline.
Comment: This sequence change replaces arginine, which is basic and polar, with tryptophan, which is neutral and slightly polar, at codon 332 of the KIAA0753 protein (p.Arg332Trp). This variant is present in population databases (rs767110752, gnomAD 0.0009%). This variant has not been reported in the literature in individuals affected with KIAA0753-related conditions. Algorithms developed to predict the effect of missense changes on protein structure and function output the following: SIFT: "Tolerated"; PolyPhen-2: "Benign"; Align-GVGD: "Class C0". The tryptophan amino acid residue is found in multiple mammalian species, which suggests that this missense change does not adversely affect protein function. In summary, the available evidence is currently insufficient to determine the role of this variant in disease. Therefore, it has been classified as a Variant of Uncertain Significance.

NM_014804.3(KIAA0753):c.994C>T (p.Arg332Trp)

Gene: KIAA0753 (KIAA0753; minus strand). Cytogenetic location: 17p13.1.
Variant type: single nucleotide variant.
Coding change: c.994C>T on transcript NM_014804.3 (MANE Select); coding-DNA position 994, C replaced by T.
Protein change: p.Arg332Trp; replaces arginine 332 with tryptophan.
Molecular consequence: missense variant. On other transcripts: non-coding transcript variant (3).
Genome position (GRCh38, 1-based): chr17:6,622,992, G>A on the plus strand (C>T on the coding strand, the complement: KIAA0753 is on the minus strand). VCF-style: chr17-6622992-G-A. GRCh37 (hg19) VCF-style: chr17-6526312-G-A.
Other names: c.97C>T, p.Arg33Trp (NM_001351225.2); c.994C>T (NM_014804.2); short protein forms R33W, R332W.
Identifiers: ClinVar variation 1908226 (VCV001908226.3), dbSNP rs767110752, ClinGen allele CA8330630.